The following is an entry in ClinVar:

NM_001114753.3(ENG):c.765_766delinsGG (p.Pro256Ala)

Gene: ENG (endoglin; minus strand). Cytogenetic location: 9q34.11.
Variant type: Indel.
Coding change: c.765_766delinsGG on transcript NM_001114753.3 (MANE Select); coding-DNA positions 765 to 766, TC replaced by GG.
Protein change: p.Pro256Ala; replaces proline 256 with alanine.
Molecular consequence: missense variant.
Genome position (GRCh38, 1-based): chr9:127,825,281-127,825,282, GA replaced by CC on the plus strand (TC replaced by GG on the coding strand, the reverse complement: ENG is on the minus strand). VCF-style: chr9-127825281-GA-CC. GRCh37 (hg19) VCF-style: chr9-130587560-GA-CC.
Other names: c.765_766delinsGG, p.Pro256Ala (NM_000118.4, NM_001406715.1); c.219_220delinsGG, p.Pro74Ala (NM_001278138.2); short protein forms P256A, P74A.
Identifiers: ClinVar variation 4724859 (VCV004724859.1).

ClinVar aggregate classification (germline): Uncertain significance (1 of 4 stars; one submission).

Conditions:
Hereditary hemorrhagic telangiectasia (HHT). Also called: ORW DISEASE; Osler Weber Rendu syndrome; OSLER-RENDU-WEBER DISEASE; Osler hemorrhagic telangiectasia syndrome. Identifiers: Orphanet 774, MedGen C0039445, MONDO:0019180. Disease mechanism: loss of function.

Submission:

Labcorp Genetics (formerly Invitae), Labcorp
Classification: Uncertain significance for Hereditary hemorrhagic telangiectasia. Last evaluated: 2025-09-23. Review status: criteria provided, single submitter. Criteria: Invitae Variant Classification Sherloc (09022015). Collection method: clinical testing. Allele origin: germline.
Comment: This sequence change replaces proline, which is neutral and non-polar, with alanine, which is neutral and non-polar, at codon 256 of the ENG protein (p.Pro256Ala). Information on the frequency of this variant in the gnomAD database is not available, as this variant may be reported differently in the database. This variant has not been reported in the literature in individuals affected with ENG-related conditions. Experimental studies and prediction algorithms are not available or were not evaluated, and the functional significance of this variant is currently unknown. In summary, the available evidence is currently insufficient to determine the role of this variant in disease. Therefore, it has been classified as a Variant of Uncertain Significance.